The following is an entry in ClinVar:

NM_001144967.3(NEDD4L):c.1088C>T (p.Ala363Val)

Gene: NEDD4L (NEDD4 like E3 ubiquitin protein ligase; plus strand). Cytogenetic location: 18q21.31.
Variant type: single nucleotide variant.
Coding change: c.1088C>T on transcript NM_001144967.3 (MANE Select); coding-DNA position 1088, C replaced by T.
Protein change: p.Ala363Val; replaces alanine 363 with valine.
Molecular consequence: missense variant. On other transcripts: intron variant (5).
Genome position (GRCh38, 1-based): chr18:58,335,500, C>T. VCF-style: chr18-58335500-C-T. GRCh37 (hg19) VCF-style: chr18-56002732-C-T.
Other names: c.725C>T, p.Ala242Val (NM_001144964.1, NM_001144965.2, NM_001144966.3); c.1064C>T, p.Ala355Val (NM_001144968.2); c.1065+1608C>T (NM_015277.6, NM_001243960.2); c.702+1608C>T (NM_001144971.2, NM_001144970.3); c.1041+1608C>T (NM_001144969.2); short protein forms A355V, A363V, A242V.
Identifiers: ClinVar variation 548597 (VCV000548597.9), dbSNP rs200565814, ClinGen allele CA8975561.

ClinVar aggregate classification (germline): Conflicting classifications of pathogenicity. Review status: criteria provided, conflicting classifications (1 of 4 stars). 4 submissions from 4 submitters: Uncertain significance (1); Likely benign (2). 1 of the submissions does not count toward it. Last evaluated 2026-04-01.

Conditions:
Periventricular nodular heterotopia 7 (PVNH7). Identifiers: MedGen C4310669, MONDO:0014966, OMIM 617201.
Intellectual disability. Also called: Intellectual functioning disability; intellectual disabilities; Intellectual developmental disorder. Identifiers: MedGen C3714756, MeSH D008607, MONDO:0001071, HP:0001249.

Allele frequency attached by ClinVar (database versions not stated): 1000 Genomes Project 0.00020; ESP Exome Variant Server 0.00029; 1000 Genomes Project 30x 0.00031.
gnomAD v4.1: 201 of 1,613,684 alleles (0.012%); highest among the groups gnomAD compares: Middle Eastern, 0.18%; 1 homozygote.

Submissions (4):

CeGaT Center for Human Genetics Tuebingen
Classification: Likely benign. Last evaluated: 2026-04-01. Review status: criteria provided, single submitter. Criteria: CeGaT Center For Human Genetics Tuebingen Variant Classification Criteria Version 2. Collection method: clinical testing. Allele origin: germline. Affected: yes. Observed: 1 variant allele.
Comment: NEDD4L: BP4

ARUP Laboratories, Molecular Genetics and Genomics, ARUP Laboratories
Classification: Likely benign for Periventricular nodular heterotopia 7. Last evaluated: 2024-11-14. Review status: criteria provided, single submitter. Criteria: ARUP Molecular Germline Variant Investigation Process 2024. Collection method: clinical testing. Allele origin: germline.

Genomic Research Center, Shahid Beheshti University of Medical Sciences
Classification: Uncertain significance for Periventricular nodular heterotopia 7. Last evaluated: 2018-03-05. Review status: criteria provided, single submitter. Criteria: ACMG Guidelines, 2015. Collection method: clinical testing. Allele origin: inherited. Affected: yes. Observed: 1 variant allele.

Centre de Biologie Pathologie Génétique, Centre Hospitalier Universitaire de Lille
Classification: Likely benign for Intellectual disability. Last evaluated: 2019-01-01. Review status: no assertion criteria provided. Collection method: clinical testing. Allele origin: inherited. Affected: yes. Not counted in ClinVar's aggregate classification.